The following is an entry in ClinVar:

NM_004415.4(DSP):c.5146G>T (p.Glu1716Ter)

Gene: DSP (desmoplakin; plus strand). Cytogenetic location: 6p24.3.
Variant type: single nucleotide variant.
Coding change: c.5146G>T on transcript NM_004415.4 (MANE Select); coding-DNA position 5146, G replaced by T.
Protein change: p.Glu1716Ter; replaces glutamic acid 1716 with a stop codon.
Molecular consequence: nonsense. On other transcripts: intron variant (2).
Genome position (GRCh38, 1-based): chr6:7,581,336, G>T. VCF-style: chr6-7581336-G-T. GRCh37 (hg19) VCF-style: chr6-7581569-G-T.
Other names: c.4050+1096G>T (NM_001319034.2); c.3583-1306G>T (NM_001008844.3); short protein forms E1716*.
Identifiers: ClinVar variation 3756455 (VCV003756455.2).

ClinVar aggregate classification (germline): Pathogenic (1 of 4 stars; one submission).

Conditions:
Arrhythmogenic right ventricular dysplasia 8 (ARVD8). Also called: Arrhythmogenic Right Ventricular Dysplasia/Cardiomyopathy 8; ARRHYTHMOGENIC RIGHT VENTRICULAR DYSPLASIA, FAMILIAL, 8; ARRHYTHMOGENIC RIGHT VENTRICULAR CARDIOMYOPATHY 8. Identifiers: MedGen C1843896, MONDO:0011831, OMIM 607450.
Arrhythmogenic cardiomyopathy with wooly hair and keratoderma. Also called: PALMOPLANTAR KERATODERMA WITH LEFT VENTRICULAR CARDIOMYOPATHY AND WOOLLY HAIR; Carvajal syndrome; Dilated cardiomyopathy with woolly hair and keratoderma; Arrhythmogenic cardiomyopathy with woolly hair and keratoderma. Identifiers: Orphanet 65282, MedGen C1854063, MONDO:0011581, OMIM 605676.

Submission:

Labcorp Genetics (formerly Invitae), Labcorp
Classification: Pathogenic for Arrhythmogenic cardiomyopathy with wooly hair and keratoderma; Arrhythmogenic right ventricular dysplasia 8. Last evaluated: 2024-05-21. Review status: criteria provided, single submitter. Criteria: Invitae Variant Classification Sherloc (09022015). Collection method: clinical testing. Allele origin: germline.
Comment: This sequence change creates a premature translational stop signal (p.Glu1716*) in the DSP gene. It is expected to result in an absent or disrupted protein product. Loss-of-function variants in DSP are known to be pathogenic (PMID: 20716751, 24503780, 25227139). This variant is not present in population databases (gnomAD no frequency). This variant has not been reported in the literature in individuals affected with DSP-related conditions. For these reasons, this variant has been classified as Pathogenic.

Literature cited by the submitters: PubMed 20716751; PubMed 24503780; PubMed 25227139.